The following is an entry in ClinVar:

ClinVar aggregate classification (germline): Pathogenic (1 of 4 stars; one submission).

gnomAD v4.1: 1 of 1,551,954 alleles (0.000064%); no homozygotes.

Submission:

GeneDx
Classification: Pathogenic. Last evaluated: 2023-12-02. Review status: criteria provided, single submitter. Criteria: GeneDx Variant Classification Process June 2021. Collection method: clinical testing. Allele origin: germline. Affected: yes.
Comment: Nonsense variant predicted to result in protein truncation or nonsense mediated decay in a gene for which loss of function is a known mechanism of disease; Not observed at significant frequency in large population cohorts (gnomAD); Has not been previously reported as pathogenic or benign in association with SETD2-related neurodevelopmental disorder to our knowledge; This variant is associated with the following publications: (PMID: 36655350)

NM_014159.7(SETD2):c.208C>T (p.Arg70Ter)

Gene: SETD2 (SET domain containing 2, histone lysine methyltransferase; minus strand). Cytogenetic location: 3p21.31.
Variant type: single nucleotide variant.
Coding change: c.208C>T on transcript NM_014159.7 (MANE Select); coding-DNA position 208, C replaced by T.
Protein change: p.Arg70Ter; replaces arginine 70 with a stop codon.
Molecular consequence: nonsense. On other transcripts: non-coding transcript variant (1).
Genome position (GRCh38, 1-based): chr3:47,124,428, G>A on the plus strand (C>T on the coding strand, the complement: SETD2 is on the minus strand). VCF-style: chr3-47124428-G-A. GRCh37 (hg19) VCF-style: chr3-47165918-G-A.
Other names: c.76C>T, p.Arg26Ter (NM_001349370.3); short protein forms R26*, R70*.
Identifiers: ClinVar variation 3364978 (VCV003364978.1).